The following is an entry in ClinVar:

ClinVar aggregate classification (germline): Pathogenic (1 of 4 stars; one submission).

Submission:

Labcorp Genetics (formerly Invitae), Labcorp
Classification: Pathogenic. Last evaluated: 2023-09-19. Review status: criteria provided, single submitter. Criteria: Invitae Variant Classification Sherloc (09022015). Collection method: clinical testing. Allele origin: germline.
Comment: This variant has not been reported in the literature in individuals affected with MYO7A-related conditions. For these reasons, this variant has been classified as Pathogenic. ClinVar contains an entry for this variant (Variation ID: 1930208). This variant is not present in population databases (gnomAD no frequency). This sequence change creates a premature translational stop signal (p.Tyr559*) in the MYO7A gene. It is expected to result in an absent or disrupted protein product. Loss-of-function variants in MYO7A are known to be pathogenic (PMID: 8900236, 25404053).

Literature cited by the submitters: PubMed 8900236; PubMed 25404053.

NM_000260.4(MYO7A):c.1677C>G (p.Tyr559Ter)

Gene: MYO7A (myosin VIIA; plus strand). Cytogenetic location: 11q13.5.
Variant type: single nucleotide variant.
Coding change: c.1677C>G on transcript NM_000260.4 (MANE Select); coding-DNA position 1677, C replaced by G.
Protein change: p.Tyr559Ter; replaces tyrosine 559 with a stop codon.
Molecular consequence: nonsense.
Genome position (GRCh38, 1-based): chr11:77,162,975, C>G. VCF-style: chr11-77162975-C-G. GRCh37 (hg19) VCF-style: chr11-76874021-C-G.
Other names: c.1677C>G, p.Tyr559Ter (NM_001127180.2); c.1644C>G, p.Tyr548Ter (NM_001369365.1); short protein forms Y559*, Y548*.
Identifiers: ClinVar variation 1930208 (VCV001930208.5), dbSNP rs1555070286, ClinGen allele CA381936363.